The following is an entry in ClinVar:

GRCh38/hg38 3q29(chr3:197681032-198111976)x1

Genes: DRC9 (dynein regulatory complex subunit 9; minus strand), FYTTD1 (forty-two-three domain containing 1; plus strand), LMLN (leishmanolysin like peptidase; plus strand), LMLN-AS1 (LMLN antisense RNA 1; minus strand), LRCH3 (leucine rich repeats and calponin homology domain containing 3; plus strand) and 24 more. Cytogenetic location: 3q29.
Variant type: copy number loss.
Change: copy number 1 (one copy instead of two) of chr3:197,681,032-198,111,976 (430.9 kb, GRCh38 coordinates, 1-based), cytogenetic band 3q29.
Identifiers: ClinVar variation 2579209 (VCV002579209.1).

ClinVar aggregate classification (germline): Pathogenic (1 of 4 stars; one submission).

Conditions:
Diamond-Blackfan anemia 5 (DBA5). Also called: RPL35A-Related Diamond-Blackfan Anemia. Identifiers: Orphanet 124, MedGen C2675859, MONDO:0012925, OMIM 612528.

Submission:

Broad Center for Mendelian Genomics, Broad Institute of MIT and Harvard
Classification: Pathogenic for Diamond-Blackfan anemia 5. Last evaluated: 2023-08-24. Review status: criteria provided, single submitter. Criteria: ACMG/ClinGen CNV Guidelines, 2019. Collection method: research. Allele origin: unknown. Inheritance: Autosomal dominant inheritance. Affected: yes.
Comment: These breakpoints have been estimated by exome sequencing only and therefore may not reflect the true breakpoints. The patient phenotype is nonspecific, but is consistent with cases described in the literature and/or published databases with overlapping variants. Deletions of similar genetic content have also been reported in 28 individuals in the literature with Diamond-Blackfan anemia (PMID: 32241839). There is complete overlap with the RPL35A gene, which is known to be haploinsufficient, but has not been assessed by the ClinGen Dosage Sensitivity Working Group. In summary, this variant meets criteria to be classified as pathogenic for autosomal dominant Diamond-Blackfan anemia. The ACMG/ClinGen evidence codes and points used in this curation are as follows: 1: 0 points, 2: 0 points, 3: 0 points, 4-5: 1.05 points Total: 1.05 points; Riggs 2020 (PMID: 31690835).

Literature cited by the submitters: PubMed 32241839.